The following is an entry in ClinVar:

ClinVar aggregate classification (germline): Likely pathogenic (1 of 4 stars; one submission).

Conditions:
Cardiovascular phenotype. Identifiers: MedGen CN230736.

Submission:

Ambry Genetics
Classification: Likely pathogenic for Cardiovascular phenotype. Last evaluated: 2021-03-30. Review status: criteria provided, single submitter. Criteria: Ambry Variant Classification Scheme 2023. Collection method: clinical testing. Allele origin: germline.
Comment: The c.34660delG variant, located in coding exon 131 of the TTN gene, results from a deletion of one nucleotide at nucleotide position 34660, causing a translational frameshift with a predicted alternate stop codon (p.V11554Lfs*9). This exon is located in the A-band region of the N2-B isoform of the titin protein and is constitutively expressed in TTN transcripts (percent spliced in or PSI 100%). This alteration was reported in a dilated cardiomyopathy cohort as c.61855delG; p.Val20619LeufsTer9; however clinical details were limited (Mazzarotto F et al. Circulation, 2020 02;141:387-398). This variant was not reported in population-based cohorts in the Genome Aggregation Database (gnomAD). This alteration is expected to result in loss of function by premature protein truncation or nonsense-mediated mRNA decay. While truncating variants in TTN are present in 1-3% of the general population, truncating variants in the A-band are the most common cause of dilated cardiomyopathy (DCM) (Herman DS et al. N. Engl. J. Med., 2012 Feb;366:619-28; Roberts AM et al. Sci Transl Med, 2015 Jan;7:270ra6). TTN truncating variants encoded in constitutive exons (PSI >90%) have been found to be significantly associated with DCM regardless of their position in titin (Schafer S et al. Nat. Genet., 2017 01;49:46-53). As such, this alteration is classified as likely pathogenic.

Literature cited by the submitters: PubMed 31983221.

NM_001267550.2(TTN):c.61855del (p.Val20619fs)

Genes: TTN (titin; minus strand), TTN-AS1 (TTN antisense RNA 1; plus strand). Cytogenetic location: 2q31.2.
Variant type: Deletion.
Coding change: c.61855del on transcript NM_001267550.2 (MANE Select); coding-DNA position 61855, one base deleted (G; older notation c.61855delG).
Protein change: p.Val20619fs; shifts the reading frame from valine 20619.
Molecular consequence: frameshift variant.
Genome position (GRCh38, 1-based): chr2:178,589,870, C deleted on the plus strand (G on the coding strand, the reverse complement: TTN is on the minus strand). VCF-style (leftmost placement, unchanged base first): chr2-178589869-AC-A. GRCh37 (hg19) VCF-style: chr2-179454596-AC-A.
Other names: c.56932del, p.Val18978fs (NM_001256850.1); c.34660del, p.Val11554fs (NM_003319.4); c.54151del, p.Val18051fs (NM_133378.4); c.35035del, p.Val11679fs (NM_133432.3); c.35236del, p.Val11746fs (NM_133437.4); c.34660delG (NM_003319.4); short protein forms V11554fs, V18051fs, V20619fs, V11679fs, V18978fs, V11746fs.
Identifiers: ClinVar variation 1731686 (VCV001731686.2), dbSNP rs2469411858, ClinGen allele CA2580064677.